The following is an entry in ClinVar:

ClinVar aggregate classification (germline): Benign (1 of 4 stars; one submission).

Allele frequency attached by ClinVar (database versions not stated): TOPMed 0.76998; 1000 Genomes Project 30x 0.82027; 1000 Genomes Project 0.82169.

Submission:

GeneDx
Classification: Benign. Last evaluated: 2021-05-14. Review status: criteria provided, single submitter. Criteria: GeneDx Variant Classification Process June 2021. Collection method: clinical testing. Allele origin: germline. Affected: yes.
Comment: This variant is associated with the following publications: (PMID: 16642435)

NC_000002.12:g.20446871G>A

Genes: RHOB (ras homolog family member B; plus strand), LOC129933212 (ATAC-STARR-seq lymphoblastoid silent region 11206; plus strand). Cytogenetic location: 2p24.1.
Variant type: single nucleotide variant.
Genome position: GRCh38 VCF-style: chr2-20446871-G-A. GRCh37 (hg19) VCF-style: chr2-20646632-G-A.
Identifiers: ClinVar variation 1271789 (VCV001271789.2), dbSNP rs585017, ClinGen allele CA11110196.